The following is an entry in ClinVar:

ClinVar aggregate classification (germline): Uncertain significance. Review status: criteria provided, multiple submitters, no conflicts (2 of 4 stars). 2 submissions from 2 submitters: Uncertain significance (2). Last evaluated 2024-11-16.

Conditions:
EP300-related disorder. Also called: EP300-related disorders; EP300-related condition.
Rubinstein-Taybi syndrome due to EP300 haploinsufficiency. Also called: EP300-Related Rubinstein-Taybi Syndrome; RUBINSTEIN-TAYBI SYNDROME 2. Identifiers: Orphanet 353284, Orphanet 783, MedGen C3150941, MONDO:0013364, OMIM 613684.

Allele frequency attached by ClinVar (database versions not stated): gnomAD exomes below 0.00001; TOPMed below 0.00001; gnomAD 0.00001.
gnomAD v4.1: 2 of 1,613,222 alleles (0.00012%); highest among the groups gnomAD compares: African/African-American, 0.0013%; no homozygotes.

Submissions (2):

PreventionGenetics, part of Exact Sciences
Classification: Uncertain significance for EP300-related condition. Last evaluated: 2024-11-16. Review status: criteria provided, single submitter. Criteria: ACMG Guidelines, 2015. Collection method: clinical testing. Allele origin: germline.
Comment: The EP300 c.3827T>C variant is predicted to result in the amino acid substitution p.Leu1276Ser. To our knowledge, this variant has not been reported in the literature or in a large population database (gnomAD), indicating this variant is rare. At this time, the clinical significance of this variant is uncertain due to the absence of conclusive functional and genetic evidence.

Labcorp Genetics (formerly Invitae), Labcorp
Classification: Uncertain significance for Rubinstein-Taybi syndrome due to EP300 haploinsufficiency. Last evaluated: 2023-10-06. Review status: criteria provided, single submitter. Criteria: Invitae Variant Classification Sherloc (09022015). Collection method: clinical testing. Allele origin: germline.
Comment: This sequence change replaces leucine, which is neutral and non-polar, with serine, which is neutral and polar, at codon 1276 of the EP300 protein (p.Leu1276Ser). This variant is not present in population databases (gnomAD no frequency). This variant has not been reported in the literature in individuals affected with EP300-related conditions. Advanced modeling of protein sequence and biophysical properties (such as structural, functional, and spatial information, amino acid conservation, physicochemical variation, residue mobility, and thermodynamic stability) performed at Invitae indicates that this missense variant is expected to disrupt EP300 protein function. In summary, the available evidence is currently insufficient to determine the role of this variant in disease. Therefore, it has been classified as a Variant of Uncertain Significance.

NM_001429.4(EP300):c.3827T>C (p.Leu1276Ser)

Gene: EP300 (EP300 lysine acetyltransferase; plus strand). Cytogenetic location: 22q13.2.
Variant type: single nucleotide variant.
Coding change: c.3827T>C on transcript NM_001429.4 (MANE Select); coding-DNA position 3827, T replaced by C.
Protein change: p.Leu1276Ser; replaces leucine 1276 with serine.
Molecular consequence: missense variant.
Genome position (GRCh38, 1-based): chr22:41,166,619, T>C. VCF-style: chr22-41166619-T-C. GRCh37 (hg19) VCF-style: chr22-41562623-T-C.
Other names: c.3749T>C, p.Leu1250Ser (NM_001362843.2); c.3827T>C (NM_001429.3); short protein forms L1276S, L1250S.
Identifiers: ClinVar variation 2912571 (VCV002912571.5), dbSNP rs1375932118, ClinGen allele CA411698599.